The following is an entry in ClinVar:

ClinVar aggregate classification (germline): Uncertain significance (1 of 4 stars; one submission).

Conditions:
Immunodeficiency, common variable, 10. Also called: IMMUNODEFICIENCY, COMMON VARIABLE, WITH CENTRAL ADRENAL INSUFFICIENCY; DEFICIT IN ANTERIOR PITUITARY FUNCTION AND VARIABLE IMMUNODEFICIENCY. Identifiers: MedGen C3809991, MONDO:0014260, OMIM 615577.

gnomAD v4.1: 17 of 1,613,534 alleles (0.0011%); highest among the groups gnomAD compares: South Asian, 0.019%; no homozygotes.

Submission:

Institute of Human Genetics, University of Leipzig Medical Center
Classification: Uncertain significance for Immunodeficiency, common variable, 10. Last evaluated: 2025-05-19. Review status: criteria provided, single submitter. Criteria: ACMG Guidelines, 2015. Collection method: clinical testing. Allele origin: unknown. Inheritance: Autosomal dominant inheritance. Affected: yes.
Comment: Criteria applied: PM2_SUP,PP3

NM_001322934.2(NFKB2):c.103+6C>T

Gene: NFKB2 (nuclear factor kappa B subunit 2; plus strand). Cytogenetic location: 10q24.32.
Variant type: single nucleotide variant.
Coding change: c.103+6C>T on transcript NM_001322934.2 (MANE Select); 6 bases into the intron after coding-DNA position 103, C replaced by T.
Molecular consequence: intron variant.
Genome position (GRCh38, 1-based): chr10:102,396,340, C>T. VCF-style: chr10-102396340-C-T. GRCh37 (hg19) VCF-style: chr10-104156097-C-T.
Other names: c.103+6C>T (NM_001288724.1, NM_001322935.1, NM_001077494.3 and 2 more transcripts).
Identifiers: ClinVar variation 3901188 (VCV003901188.1).